The following is an entry in ClinVar:

ClinVar aggregate classification (germline): Uncertain significance. Review status: criteria provided, multiple submitters, no conflicts (2 of 4 stars). 2 submissions from 2 submitters: Uncertain significance (2). Last evaluated 2025-04-14.

Conditions:
Inborn genetic diseases. Identifiers: MedGen C0950123, MeSH D030342.

Allele frequency attached by ClinVar (database versions not stated): gnomAD exomes below 0.00001.

Submissions (2):

Ambry Genetics
Classification: Uncertain significance for Inborn genetic diseases. Last evaluated: 2025-04-14. Review status: criteria provided, single submitter. Criteria: Ambry Variant Classification Scheme 2023. Collection method: clinical testing. Allele origin: germline.

Labcorp Genetics (formerly Invitae), Labcorp
Classification: Uncertain significance. Last evaluated: 2024-10-24. Review status: criteria provided, single submitter. Criteria: Invitae Variant Classification Sherloc (09022015). Collection method: clinical testing. Allele origin: germline.
Comment: This sequence change replaces glutamine, which is neutral and polar, with leucine, which is neutral and non-polar, at codon 2017 of the VPS13D protein (p.Gln2017Leu). This variant is not present in population databases (gnomAD no frequency). This variant has not been reported in the literature in individuals affected with VPS13D-related conditions. ClinVar contains an entry for this variant (Variation ID: 1926105). Invitae Evidence Modeling of protein sequence and biophysical properties (such as structural, functional, and spatial information, amino acid conservation, physicochemical variation, residue mobility, and thermodynamic stability) has been performed for this missense variant. However, the output from this modeling did not meet the statistical confidence thresholds required to predict the impact of this variant on VPS13D protein function. In summary, the available evidence is currently insufficient to determine the role of this variant in disease. Therefore, it has been classified as a Variant of Uncertain Significance.

NM_015378.4(VPS13D):c.6050A>T (p.Gln2017Leu)

Gene: VPS13D (vacuolar protein sorting 13 homolog D; plus strand). Cytogenetic location: 1p36.22.
Variant type: single nucleotide variant.
Coding change: c.6050A>T on transcript NM_015378.4 (MANE Select); coding-DNA position 6050, A replaced by T.
Protein change: p.Gln2017Leu; replaces glutamine 2017 with leucine.
Molecular consequence: missense variant.
Genome position (GRCh38, 1-based): chr1:12,299,218, A>T. VCF-style: chr1-12299218-A-T. GRCh37 (hg19) VCF-style: chr1-12359275-A-T.
Other names: c.6050A>T, p.Gln2017Leu (NM_018156.4); c.6050A>T (NM_015378.2); short protein forms Q2017L.
Identifiers: ClinVar variation 1926105 (VCV001926105.6), dbSNP rs887530525, ClinGen allele CA338488161.